The following is an entry in ClinVar:

ClinVar aggregate classification (germline): Pathogenic (1 of 4 stars; one submission).

Submission:

Labcorp Genetics (formerly Invitae), Labcorp
Classification: Pathogenic. Last evaluated: 2021-07-25. Review status: criteria provided, single submitter. Criteria: Invitae Variant Classification Sherloc (09022015). Collection method: clinical testing. Allele origin: germline.
Comment: For these reasons, this variant has been classified as Pathogenic. This variant has not been reported in the literature in individuals affected with USH2A-related conditions. This variant is not present in population databases (ExAC no frequency). This sequence change creates a premature translational stop signal (p.Gln3163Argfs*9) in the USH2A gene. It is expected to result in an absent or disrupted protein product. Loss-of-function variants in USH2A are known to be pathogenic (PMID: 10729113, 10909849, 20507924, 25649381).

Literature cited by the submitters: PubMed 10729113; PubMed 10909849; PubMed 20507924; PubMed 25649381.

NM_206933.4(USH2A):c.9488del (p.Gln3163fs)

Gene: USH2A (usherin; minus strand). Cytogenetic location: 1q41.
Variant type: Deletion.
Coding change: c.9488del on transcript NM_206933.4 (MANE Select); coding-DNA position 9488, one base deleted (A; older notation c.9488delA).
Protein change: p.Gln3163fs; shifts the reading frame from glutamine 3163.
Molecular consequence: frameshift variant.
Genome position (GRCh38, 1-based): chr1:215,817,079, T deleted on the plus strand (A on the coding strand, the reverse complement: USH2A is on the minus strand). VCF-style (leftmost placement, unchanged base first): chr1-215817078-CT-C. GRCh37 (hg19) VCF-style: chr1-215990420-CT-C.
Other names: short protein forms Q3163fs.
Identifiers: ClinVar variation 1351428 (VCV001351428.6), dbSNP rs2102796387, ClinGen allele CA2573131594.
Genomic context (GRCh38, chr1:215,817,078, plus strand): 5'-AATGTGTCCACAGATAGATTCAGGTTTTTGACACCTCACTGCCTTGCAGAGCTCATCACT[CT>C]GATCCTGCACTAACTTTTGAGTTTTAGCGCATGGATACCATGTTTTCCATAGGAGATCAT-3'